The following is an entry in ClinVar:

ClinVar aggregate classification (germline): Uncertain significance (1 of 4 stars; one submission).

gnomAD v4.1: 12 of 1,610,296 alleles (0.00075%); highest among the groups gnomAD compares: East Asian, 0.0089%; no homozygotes.

Submission:

Labcorp Genetics (formerly Invitae), Labcorp
Classification: Uncertain significance. Last evaluated: 2024-10-15. Review status: criteria provided, single submitter. Criteria: Invitae Variant Classification Sherloc (09022015). Collection method: clinical testing. Allele origin: germline.
Comment: This sequence change affects codon 260 of the GNAT2 mRNA. It is a 'silent' change, meaning that it does not change the encoded amino acid sequence of the GNAT2 protein. This variant is present in population databases (rs776207301, gnomAD 0.003%). This variant has not been reported in the literature in individuals affected with GNAT2-related conditions. Algorithms developed to predict the effect of sequence changes on RNA splicing suggest that this variant may disrupt the consensus splice site. In summary, the available evidence is currently insufficient to determine the role of this variant in disease. Therefore, it has been classified as a Variant of Uncertain Significance.

NM_001377295.2(GNAT2):c.780G>A (p.Ala260=)

Gene: GNAT2 (G protein subunit alpha transducin 2; minus strand). Cytogenetic location: 1p13.3.
Variant type: single nucleotide variant.
Coding change: c.780G>A on transcript NM_001377295.2 (MANE Select); coding-DNA position 780, G replaced by A.
Protein change: p.Ala260=; no amino-acid change (alanine 260 retained).
Molecular consequence: synonymous variant.
Genome position (GRCh38, 1-based): chr1:109,604,045, C>T on the plus strand (G>A on the coding strand, the complement: GNAT2 is on the minus strand). VCF-style: chr1-109604045-C-T. GRCh37 (hg19) VCF-style: chr1-110146667-C-T.
Other names: c.780G>A, p.Ala260= (NM_001379232.1, NM_005272.5).
Identifiers: ClinVar variation 3711892 (VCV003711892.1).
Genomic context (GRCh38, chr1:109,604,045, plus strand): 5'-TTTCTTGATTTTTTCCTCAAAGAGGTCCTTCTTGTTGAGAAAGAGGACAATGGAAGTAGC[C>T]GCAAAGAATTTGTGGTTACATATGCTGTTGAACAGATGCAAAGACTCATGCATACGATTC-3'
Protein context (NP_001364224.1, residues 250-270): FNSICNHKFF[Ala260=]ATSIVLFLNK